The following is an entry in ClinVar:

NM_001394073.1(HS6ST2):c.*9A>G

Gene: HS6ST2 (heparan sulfate 6-O-sulfotransferase 2; minus strand). Cytogenetic location: Xq26.2.
Variant type: single nucleotide variant.
Coding change: c.*9A>G on transcript NM_001394073.1 (MANE Select); 9 bases downstream of the stop codon, A replaced by G.
Molecular consequence: 3 prime UTR variant.
Genome position (GRCh38, 1-based): chrX:132,628,214, T>C on the plus strand (A>G on the coding strand, the complement: HS6ST2 is on the minus strand). VCF-style: chrX-132628214-T-C. GRCh37 (hg19) VCF-style: chrX-131762242-T-C.
Other names: c.*9A>G (NM_001077188.2, NM_001394074.1, NM_147175.4).
Identifiers: ClinVar variation 4977005 (VCV004977005.1).

ClinVar aggregate classification (germline): Likely benign (1 of 4 stars; one submission).

Conditions:
HS6ST2-related disorder. Also called: HS6ST2-related condition.

gnomAD v4.1: 96 of 1,127,932 alleles (0.0085%); highest among the groups gnomAD compares: Non-Finnish European, 0.01%; no homozygotes.

Submission:

PreventionGenetics, part of Exact Sciences
Classification: Likely benign for HS6ST2-related condition. Last evaluated: 2026-05-15. Review status: criteria provided, single submitter. Criteria: ACMG Guidelines, 2015. Collection method: clinical testing. Allele origin: germline.
Comment: This variant is classified as likely benign based on ACMG/AMP sequence variant interpretation guidelines (Richards et al. 2015 PMID: 25741868, with internal and published modifications).